The following is an entry in ClinVar:

NM_017636.4(TRPM4):c.1010G>A (p.Arg337His)

Gene: TRPM4 (transient receptor potential cation channel subfamily M member 4; plus strand). Cytogenetic location: 19q13.33.
Variant type: single nucleotide variant.
Coding change: c.1010G>A on transcript NM_017636.4 (MANE Select); coding-DNA position 1010, G replaced by A.
Protein change: p.Arg337His; replaces arginine 337 with histidine.
Molecular consequence: missense variant. On other transcripts: 5 prime UTR variant (1).
Genome position (GRCh38, 1-based): chr19:49,171,729, G>A. VCF-style: chr19-49171729-G-A. GRCh37 (hg19) VCF-style: chr19-49674986-G-A.
Other names: c.1010G>A, p.Arg337His (NM_001195227.2); c.665G>A, p.Arg222His (NM_001321281.2); c.-544G>A (NM_001321282.2); c.488G>A, p.Arg163His (NM_001321283.2); c.161G>A, p.Arg54His (NM_001321285.2); short protein forms R337H, R163H, R54H, R222H.
Identifiers: ClinVar variation 646288 (VCV000646288.12), dbSNP rs138718906, ClinGen allele CA309433588.
Genomic context (GRCh38, chr19:49,171,729, plus strand): 5'-ACACTCTGGCCCCAGGGAGTGGGGGAGCCAGGCAAGGCGAAGCCCGAGATCGAATCAGGC[G>A]TTTCTTTCCCAAAGGGGACCTTGAGGTCCTGCAGGCCCAGGTATGACACTGGGGGCCCAA-3'
Protein context (NP_060106.2, residues 327-347): RQGEARDRIR[Arg337His]FFPKGDLEVL

ClinVar aggregate classification (germline): Uncertain significance. Review status: criteria provided, multiple submitters, no conflicts (2 of 4 stars). 2 submissions from 2 submitters: Uncertain significance (2). Last evaluated 2025-09-01.

Conditions:
Cardiovascular phenotype. Identifiers: MedGen CN230736.
Progressive familial heart block type IB (PFHB1B). Identifiers: Orphanet 871, MedGen C1970298, MONDO:0011474, OMIM 604559.

Allele frequency attached by ClinVar (database versions not stated): gnomAD exomes 0.00002 and 0.00005; gnomAD 0.00007; ESP Exome Variant Server 0.00008; TOPMed 0.00004.
gnomAD v4.1: 81 of 1,612,836 alleles (0.005%); highest among the groups gnomAD compares: African/African-American, 0.0067%; no homozygotes.

Submissions (2):

Labcorp Genetics (formerly Invitae), Labcorp
Classification: Uncertain significance for Progressive familial heart block type IB. Last evaluated: 2025-09-01. Review status: criteria provided, single submitter. Criteria: Invitae Variant Classification Sherloc (09022015). Collection method: clinical testing. Allele origin: germline.
Comment: This sequence change replaces arginine, which is basic and polar, with histidine, which is basic and polar, at codon 337 of the TRPM4 protein (p.Arg337His). This variant is present in population databases (rs138718906, gnomAD 0.004%). This variant has not been reported in the literature in individuals affected with TRPM4-related conditions. ClinVar contains an entry for this variant (Variation ID: 646288). An algorithm developed to predict the effect of missense changes on protein structure and function (PolyPhen-2) suggests that this variant is likely to be disruptive. In summary, the available evidence is currently insufficient to determine the role of this variant in disease. Therefore, it has been classified as a Variant of Uncertain Significance.

Ambry Genetics
Classification: Uncertain significance for Cardiovascular phenotype. Last evaluated: 2025-07-31. Review status: criteria provided, single submitter. Criteria: Ambry Variant Classification Scheme 2023. Collection method: clinical testing. Allele origin: germline.